The following is an entry in ClinVar:

NM_006506.5(RASA2):c.845A>T (p.Asp282Val)

Gene: RASA2 (RAS p21 protein activator 2; plus strand). Cytogenetic location: 3q23.
Variant type: single nucleotide variant.
Coding change: c.845A>T on transcript NM_006506.5 (MANE Select); coding-DNA position 845, A replaced by T.
Protein change: p.Asp282Val; replaces aspartic acid 282 with valine.
Molecular consequence: missense variant.
Genome position (GRCh38, 1-based): chr3:141,559,977, A>T. VCF-style: chr3-141559977-A-T. GRCh37 (hg19) VCF-style: chr3-141278819-A-T.
Other names: c.845A>T, p.Asp282Val (NM_001303245.3, NM_001303246.3); short protein forms D282V.
Identifiers: ClinVar variation 3678608 (VCV003678608.2).

ClinVar aggregate classification (germline): Uncertain significance (1 of 4 stars; one submission).

gnomAD v4.1: 1 of 1,612,904 alleles (0.000062%); highest among the groups gnomAD compares: African/African-American, 0.0013%; no homozygotes.

Submission:

Labcorp Genetics (formerly Invitae), Labcorp
Classification: Uncertain significance. Last evaluated: 2024-12-11. Review status: criteria provided, single submitter. Criteria: Invitae Variant Classification Sherloc (09022015). Collection method: clinical testing. Allele origin: germline.
Comment: This sequence change replaces aspartic acid, which is acidic and polar, with valine, which is neutral and non-polar, at codon 282 of the RASA2 protein (p.Asp282Val). This variant is present in population databases (no rsID available, gnomAD 0.007%). This variant has not been reported in the literature in individuals affected with RASA2-related conditions. Invitae Evidence Modeling of protein sequence and biophysical properties (such as structural, functional, and spatial information, amino acid conservation, physicochemical variation, residue mobility, and thermodynamic stability) indicates that this missense variant is not expected to disrupt RASA2 protein function with a negative predictive value of 80%. In summary, the available evidence is currently insufficient to determine the role of this variant in disease. Therefore, it has been classified as a Variant of Uncertain Significance.